The following is an entry in ClinVar:

ClinVar aggregate classification (germline): Uncertain significance. Review status: criteria provided, multiple submitters, no conflicts (2 of 4 stars). 2 submissions from 2 submitters: Uncertain significance (2). Last evaluated 2024-12-12.

Conditions:
Cardiovascular phenotype. Identifiers: MedGen CN230736.
Myofibrillar myopathy 4. Also called: Zaspopathy (type). Identifiers: Orphanet 98912, MedGen C4721886, MONDO:0012277, OMIM 609452.

Allele frequency attached by ClinVar (database versions not stated): gnomAD exomes below 0.00001; gnomAD 0.00001; TOPMed 0.00001.
gnomAD v4.1: 2 of 1,614,064 alleles (0.00012%); highest among the groups gnomAD compares: African/African-American, 0.0013%; no homozygotes.

Submissions (2):

Ambry Genetics
Classification: Uncertain significance for Cardiovascular phenotype. Last evaluated: 2024-12-12. Review status: criteria provided, single submitter. Criteria: Ambry Variant Classification Scheme 2023. Collection method: clinical testing. Allele origin: germline.
Comment: The c.860-3C>T intronic variant results from a C to T substitution 3 nucleotides upstream from coding exon 6 in the LDB3 gene. This nucleotide position is well conserved in available vertebrate species. In silico splice site analysis predicts that this alteration will not have any significant effect on splicing. Since supporting evidence is limited at this time, the clinical significance of this alteration remains unclear.

Labcorp Genetics (formerly Invitae), Labcorp
Classification: Uncertain significance for Myofibrillar myopathy 4. Last evaluated: 2023-04-11. Review status: criteria provided, single submitter. Criteria: Invitae Variant Classification Sherloc (09022015). Collection method: clinical testing. Allele origin: germline.
Comment: In summary, the available evidence is currently insufficient to determine the role of this variant in disease. Therefore, it has been classified as a Variant of Uncertain Significance. Variants that disrupt the consensus splice site are a relatively common cause of aberrant splicing (PMID: 17576681, 9536098). Algorithms developed to predict the effect of sequence changes on RNA splicing suggest that this variant is not likely to affect RNA splicing. ClinVar contains an entry for this variant (Variation ID: 1764026). This variant has not been reported in the literature in individuals affected with LDB3-related conditions. This variant is not present in population databases (gnomAD no frequency). This sequence change falls in intron 6 of the LDB3 gene. It does not directly change the encoded amino acid sequence of the LDB3 protein. It affects a nucleotide within the consensus splice site.

Literature cited by the submitters: PubMed 17576681 (cited by Labcorp Genetics (formerly Invitae), Labcorp); PubMed 9536098 (cited by Labcorp Genetics (formerly Invitae), Labcorp).

NM_007078.3(LDB3):c.860-3C>T

Gene: LDB3 (LIM domain binding 3; plus strand). Cytogenetic location: 10q23.2.
Variant type: single nucleotide variant.
Coding change: c.860-3C>T on transcript NM_007078.3 (MANE Select); 3 bases into the intron before coding-DNA position 860, C replaced by T.
Molecular consequence: intron variant.
Genome position (GRCh38, 1-based): chr10:86,692,532, C>T. VCF-style: chr10-86692532-C-T. GRCh37 (hg19) VCF-style: chr10-88452289-C-T.
Other names: c.860-3C>T (NM_001368064.1, NM_001368063.1, NM_001368065.1 and 1 more transcripts); c.719-3C>T (NM_001368068.1, NM_001368066.1, NM_001080114.2 and 2 more transcripts); c.1064-3C>T (NM_001171610.2, NM_001171611.2).
Identifiers: ClinVar variation 1764026 (VCV001764026.6), dbSNP rs1393930781, ClinGen allele CA669460839.